The following is an entry in ClinVar:

NM_001139.3(ALOX12B):c.379C>T (p.Pro127Ser)

Gene: ALOX12B (arachidonate 12-lipoxygenase, 12R type; minus strand). Cytogenetic location: 17p13.1.
Variant type: single nucleotide variant.
Coding change: c.379C>T on transcript NM_001139.3 (MANE Select); coding-DNA position 379, C replaced by T.
Protein change: p.Pro127Ser; replaces proline 127 with serine.
Molecular consequence: missense variant.
Genome position (GRCh38, 1-based): chr17:8,081,161, G>A on the plus strand (C>T on the coding strand, the complement: ALOX12B is on the minus strand). VCF-style: chr17-8081161-G-A. GRCh37 (hg19) VCF-style: chr17-7984479-G-A.
Other names: short protein forms P127S.
Identifiers: ClinVar variation 402365 (VCV000402365.41), dbSNP rs72842957, ClinGen allele CA8367690.

ClinVar aggregate classification (germline): Benign/Likely benign. Review status: criteria provided, multiple submitters, no conflicts (2 of 4 stars). 7 submissions from 7 submitters: Benign (3); Likely benign (4). Last evaluated 2026-03-01.

Conditions:
Autosomal recessive congenital ichthyosis 2 (ARCI2). Identifiers: Orphanet 281122, Orphanet 79394, MedGen C3888093, MONDO:0009439, OMIM 242100.

Allele frequency attached by ClinVar (database versions not stated): 1000 Genomes Project 0.01078; 1000 Genomes Project 30x 0.01093; gnomAD 0.01485 and 0.01490; TOPMed 0.01584; ESP Exome Variant Server 0.01638; ExAC 0.01724.

Submissions (7):

CeGaT Center for Human Genetics Tuebingen
Classification: Benign. Last evaluated: 2026-03-01. Review status: criteria provided, single submitter. Criteria: CeGaT Center For Human Genetics Tuebingen Variant Classification Criteria Version 2. Collection method: clinical testing. Allele origin: germline. Affected: yes. Observed: 6 variant alleles.
Comment: ALOX12B: BP4, BS1, BS2

Labcorp Genetics (formerly Invitae), Labcorp
Classification: Benign. Last evaluated: 2026-02-02. Review status: criteria provided, single submitter. Criteria: Invitae Variant Classification Sherloc (09022015). Collection method: clinical testing. Allele origin: germline.

Women's Health and Genetics/Laboratory Corporation of America, LabCorp
Classification: Likely benign. Last evaluated: 2022-02-17. Review status: criteria provided, single submitter. Criteria: LabCorp Variant Classification Summary - May 2015. Collection method: clinical testing. Allele origin: germline.

Illumina Laboratory Services, Illumina
Classification: Likely benign for Autosomal recessive congenital ichthyosis 2. Last evaluated: 2017-04-27. Review status: criteria provided, single submitter. Criteria: ICSL Variant Classification Criteria 13 December 2019. Collection method: clinical testing. Allele origin: germline.
Comment: This variant was observed as part of a predisposition screen in an ostensibly healthy population. A literature search was performed for the gene, cDNA change, and amino acid change (where applicable). Publications were found based on this search. The evidence from the literature, in combination with allele frequency data from public databases where available, was sufficient to determine this variant is unlikely to cause disease. Therefore, this variant is classified as likely benign.

Laboratory for Molecular Medicine, Mass General Brigham Personalized Medicine
Classification: Likely benign. Last evaluated: 2016-03-28. Review status: criteria provided, single submitter. Criteria: LMM Criteria. Collection method: clinical testing. Allele origin: germline.
Comment: Variant identified in a genome or exome case(s) and assessed due to predicted null impact of the variant or pathogenic assertions in the literature or databases. Disclaimer: This variant has not undergone full assessment. The following are preliminary notes: ExAC: 2.2% (1456/66124) European

GeneDx
Classification: Benign. Last evaluated: 2015-03-03. Review status: criteria provided, single submitter. Criteria: GeneDx Variant Classification Process June 2021. Collection method: clinical testing. Allele origin: germline. Affected: yes.
Comment: This variant is associated with the following publications: (PMID: 27884173, 16116617, 20981092, 17139268, 22995991)

Breakthrough Genomics
Classification: Likely benign. Review status: criteria provided, single submitter. Criteria: ACMG Guidelines, 2015. Collection method: not provided. Allele origin: germline. Inheritance: Autosomal recessive inheritance. Affected: yes.

Literature cited by the submitters: PubMed 16116617 (cited by Illumina Laboratory Services, Illumina); PubMed 17139268 (cited by Illumina Laboratory Services, Illumina).